The following is an entry in ClinVar:

NM_000548.5(TSC2):c.1194del (p.Asn398fs)

Gene: TSC2 (TSC complex subunit 2; plus strand). Cytogenetic location: 16p13.3.
Variant type: Deletion.
Coding change: c.1194del on transcript NM_000548.5 (MANE Select); coding-DNA position 1194, one base deleted (C; older notation c.1194delC).
Protein change: p.Asn398fs; shifts the reading frame from asparagine 398.
Molecular consequence: frameshift variant.
Genome position (GRCh38, 1-based): chr16:2,061,945, C deleted. VCF-style (leftmost placement, unchanged base first): chr16-2061944-AC-A. GRCh37 (hg19) VCF-style: chr16-2111945-AC-A.
Other names: c.1194del, p.Asn398fs (NM_001077183.3, NM_001114382.3, NM_001363528.2 and 3 more transcripts); c.1083del, p.Asn361fs (NM_001318827.2); c.1047del, p.Asn349fs (NM_001318829.2); c.594del, p.Asn198fs (NM_001318831.2); c.1227del, p.Asn409fs (NM_001318832.2); short protein forms N198fs, N349fs, N398fs, N361fs, N409fs.
Identifiers: ClinVar variation 265691 (VCV000265691.2), dbSNP rs886039736, ClinGen allele CA10588596.

ClinVar aggregate classification (germline): Pathogenic (1 of 4 stars; one submission).

Submission:

GeneDx
Classification: Pathogenic. Last evaluated: 2016-08-17. Review status: criteria provided, single submitter. Criteria: GeneDx Variant Classification (06012015). Collection method: clinical testing. Allele origin: germline. Affected: yes.
Comment: The c.1194delC variant has not been published as a pathogenic variant, nor has it been reported as a benign variant to our knowledge. It was not observed in approximately 6,500 individuals of European and African American ancestry in the NHLBI Exome Sequencing Project, indicating it is not a common benign variant in these populations. The c.1194delC pathogenic variant in the TSC2 gene causes a frameshift starting with codon Asparagine 398, changes this amino acid to a Lysine residue and creates a premature Stop codon at position 27 of the new reading frame, denoted p.Asn398LysfsX27. This pathogenic variant is predicted to cause loss of normal protein function either through protein truncation or nonsense-mediated mRNA decay.